The following is an entry in ClinVar:

ClinVar aggregate classification (germline): Uncertain significance (1 of 4 stars; one submission).

Allele frequency attached by ClinVar (database versions not stated): TOPMed below 0.00001.

Submission:

Labcorp Genetics (formerly Invitae), Labcorp
Classification: Uncertain significance. Last evaluated: 2025-01-27. Review status: criteria provided, single submitter. Criteria: Invitae Variant Classification Sherloc (09022015). Collection method: clinical testing. Allele origin: germline.
Comment: This sequence change replaces glutamic acid, which is acidic and polar, with lysine, which is basic and polar, at codon 141 of the ZNF408 protein (p.Glu141Lys). This variant is not present in population databases (gnomAD no frequency). This variant has not been reported in the literature in individuals affected with ZNF408-related conditions. ClinVar contains an entry for this variant (Variation ID: 1915161). An algorithm developed to predict the effect of missense changes on protein structure and function (PolyPhen-2) suggests that this variant is likely to be disruptive. In summary, the available evidence is currently insufficient to determine the role of this variant in disease. Therefore, it has been classified as a Variant of Uncertain Significance.

NM_024741.3(ZNF408):c.421G>A (p.Glu141Lys)

Gene: ZNF408 (zinc finger protein 408; plus strand). Cytogenetic location: 11p11.2.
Variant type: single nucleotide variant.
Coding change: c.421G>A on transcript NM_024741.3 (MANE Select); coding-DNA position 421, G replaced by A.
Protein change: p.Glu141Lys; replaces glutamic acid 141 with lysine.
Molecular consequence: missense variant.
Genome position (GRCh38, 1-based): chr11:46,703,012, G>A. VCF-style: chr11-46703012-G-A. GRCh37 (hg19) VCF-style: chr11-46724562-G-A.
Other names: c.397G>A, p.Glu133Lys (NM_001184751.2); short protein forms E141K, E133K.
Identifiers: ClinVar variation 1915161 (VCV001915161.5), dbSNP rs2064721288, ClinGen allele CA380252216.